The following is an entry in ClinVar:

ClinVar aggregate classification (germline): Pathogenic (1 of 4 stars; one submission).

Conditions:
Hereditary cancer-predisposing syndrome. Also called: Hereditary neoplastic syndrome; Tumor predisposition; Hereditary Cancer Syndrome; Neoplastic Syndromes, Hereditary. Identifiers: Orphanet 140162, MedGen C0027672, MeSH D009386, MONDO:0015356.

Submission:

Ambry Genetics
Classification: Pathogenic for Hereditary cancer-predisposing syndrome. Last evaluated: 2023-06-15. Review status: criteria provided, single submitter. Criteria: Ambry Variant Classification Scheme 2023. Collection method: clinical testing. Allele origin: germline.
Comment: The c.7964_7965delAA pathogenic mutation, located in coding exon 16 of the BRCA2 gene, results from a deletion of two nucleotides at nucleotide positions 7964 to 7965, causing a translational frameshift with a predicted alternate stop codon (p.Q2655Pfs*6). This variant is considered to be rare based on population cohorts in the Genome Aggregation Database (gnomAD). This alteration is expected to result in loss of function by premature protein truncation or nonsense-mediated mRNA decay. As such, this alteration is interpreted as a disease-causing mutation.

NM_000059.4(BRCA2):c.7964_7965del (p.Gln2655fs)

Gene: BRCA2 (BRCA2 DNA repair associated; plus strand). Cytogenetic location: 13q13.1.
Variant type: Deletion.
Coding change: c.7964_7965del on transcript NM_000059.4 (MANE Select); coding-DNA positions 7964 to 7965, 2 bases deleted (AA; older notation c.7964_7965delAA).
Protein change: p.Gln2655fs; shifts the reading frame from glutamine 2655.
Molecular consequence: frameshift variant. On other transcripts: non-coding transcript variant (1).
Genome position (GRCh38, 1-based): chr13:32,362,681-32,362,682, AA deleted. VCF-style (leftmost placement, unchanged base first): chr13-32362680-CAA-C. GRCh37 (hg19) VCF-style: chr13-32936817-CAA-C.
Other names: c.7868_7869del, p.Gln2623fs (NM_001406719.1); c.7964_7965del, p.Gln2655fs (NM_001406720.1); c.3032_3033del, p.Gln1011fs (NM_001406721.1); c.1547_1548del, p.Gln516fs (NM_001406722.1); short protein forms Q1011fs, Q2655fs, Q516fs, Q2623fs.
Identifiers: ClinVar variation 2586258 (VCV002586258.2), dbSNP rs2548545630, ClinGen allele CA2582341813.